The following is an entry in ClinVar:

NM_014141.6(CNTNAP2):c.901A>G (p.Thr301Ala)

Gene: CNTNAP2 (contactin associated protein 2; plus strand). Cytogenetic location: 7q35.
Variant type: single nucleotide variant.
Coding change: c.901A>G on transcript NM_014141.6 (MANE Select); coding-DNA position 901, A replaced by G.
Protein change: p.Thr301Ala; replaces threonine 301 with alanine.
Molecular consequence: missense variant.
Genome position (GRCh38, 1-based): chr7:147,121,125, A>G. VCF-style: chr7-147121125-A-G. GRCh37 (hg19) VCF-style: chr7-146818217-A-G.
Other names: short protein forms T301A.
Identifiers: ClinVar variation 911243 (VCV000911243.7), dbSNP rs772320412, ClinGen allele CA4545912.

ClinVar aggregate classification (germline): Uncertain significance. Review status: criteria provided, multiple submitters, no conflicts (2 of 4 stars). 2 submissions from 2 submitters: Uncertain significance (2). Last evaluated 2023-07-07.

Conditions:
Cortical dysplasia-focal epilepsy syndrome (PTHSL1). Also called: Pitt-Hopkins-like syndrome 1. Identifiers: Orphanet 163681, Orphanet 221150, MedGen C2750246, MONDO:0012400, OMIM 610042.

Allele frequency attached by ClinVar (database versions not stated): TOPMed below 0.00001; gnomAD 0.00001; ExAC 0.00002; gnomAD exomes 0.00003 and 0.00008.
gnomAD v4.1: 47 of 1,614,032 alleles (0.0029%); highest among the groups gnomAD compares: East Asian, 0.1%; no homozygotes.

Submissions (2):

Labcorp Genetics (formerly Invitae), Labcorp
Classification: Uncertain significance for Cortical dysplasia-focal epilepsy syndrome. Last evaluated: 2023-07-07. Review status: criteria provided, single submitter. Criteria: Invitae Variant Classification Sherloc (09022015). Collection method: clinical testing. Allele origin: germline.
Comment: In summary, the available evidence is currently insufficient to determine the role of this variant in disease. Therefore, it has been classified as a Variant of Uncertain Significance. An algorithm developed to predict the effect of missense changes on protein structure and function (PolyPhen-2) suggests that this variant¬†is likely to be tolerated. ClinVar contains an entry for this variant (Variation ID: 911243). This variant has not been reported in the literature in individuals affected with CNTNAP2-related conditions. This variant is present in population databases (rs772320412, gnomAD 0.05%). This sequence change replaces threonine, which is neutral and polar, with alanine, which is neutral and non-polar, at codon 301 of the CNTNAP2 protein (p.Thr301Ala).

Illumina Laboratory Services, Illumina
Classification: Uncertain significance for Cortical dysplasia-focal epilepsy syndrome. Last evaluated: 2018-01-13. Review status: criteria provided, single submitter. Criteria: ICSL Variant Classification Criteria 13 December 2019. Collection method: clinical testing. Allele origin: germline.